The following is an entry in ClinVar:

NM_001098.3(ACO2):c.397C>T (p.Gln133Ter)

Gene: ACO2 (aconitase 2; plus strand). Cytogenetic location: 22q13.2.
Variant type: single nucleotide variant.
Coding change: c.397C>T on transcript NM_001098.3 (MANE Select); coding-DNA position 397, C replaced by T.
Protein change: p.Gln133Ter; replaces glutamine 133 with a stop codon.
Molecular consequence: nonsense.
Genome position (GRCh38, 1-based): chr22:41,508,014, C>T. VCF-style: chr22-41508014-C-T. GRCh37 (hg19) VCF-style: chr22-41904018-C-T.
Other names: short protein forms Q133*.
Identifiers: ClinVar variation 1994002 (VCV001994002.4), dbSNP rs1431817331, ClinGen allele CA411713964.

ClinVar aggregate classification (germline): Pathogenic (1 of 4 stars; one submission).

Allele frequency attached by ClinVar (database versions not stated): TOPMed 0.00002.

Submission:

Labcorp Genetics (formerly Invitae), Labcorp
Classification: Pathogenic. Last evaluated: 2022-08-31. Review status: criteria provided, single submitter. Criteria: Invitae Variant Classification Sherloc (09022015). Collection method: clinical testing. Allele origin: germline.
Comment: This sequence change creates a premature translational stop signal (p.Gln133*) in the ACO2 gene. It is expected to result in an absent or disrupted protein product. Loss-of-function variants in ACO2 are known to be pathogenic (PMID: 30689204, 32519519). This variant is not present in population databases (gnomAD no frequency). This variant has not been reported in the literature in individuals affected with ACO2-related conditions. For these reasons, this variant has been classified as Pathogenic.

Literature cited by the submitters: PubMed 30689204; PubMed 32519519.